The following is an entry in ClinVar:

ClinVar aggregate classification (germline): Pathogenic/Likely pathogenic. Review status: criteria provided, multiple submitters, no conflicts (2 of 4 stars). 8 submissions from 8 submitters: Pathogenic (2); Likely pathogenic (4). 2 of the submissions do not count toward it. Last evaluated 2026-05-28.

Conditions:
Hereditary cancer-predisposing syndrome. Also called: Hereditary Cancer Syndrome; Hereditary neoplastic syndrome; Neoplastic Syndromes, Hereditary; Tumor predisposition. Identifiers: Orphanet 140162, MedGen C0027672, MeSH D009386, MONDO:0015356.
Breast and/or ovarian cancer. Identifiers: MedGen CN221562.
Hereditary breast ovarian cancer syndrome. Also called: BRCA1- and BRCA2-Associated Hereditary Breast and Ovarian Cancer; Hereditary breast and ovarian cancer syndrome; Hereditary breast and ovarian cancer syndrome (HBOC); Breast and ovarian cancer; Hereditary breast and/or ovarian cancer syndrome; Hereditary breast and ovarian cancer. Identifiers: Orphanet 145, MedGen C0677776, MeSH D061325, MONDO:0003582. Disease mechanism: loss of function.
Breast-ovarian cancer, familial, susceptibility to, 1 (BROVCA1). Also called: BRCA1 Hereditary Breast and Ovarian Cancer; OVARIAN CANCER, SUSCEPTIBILITY TO. Identifiers: Orphanet 145, MedGen C2676676, MONDO:0011450, OMIM 604370. Disease mechanism: loss of function.

Submissions (9):

Ambry Genetics
Classification: Likely pathogenic for Hereditary cancer-predisposing syndrome. Last evaluated: 2026-05-28. Review status: criteria provided, single submitter. Criteria: Ambry Variant Classification Scheme 2023. Collection method: clinical testing. Allele origin: germline.
Comment: The p.M18K variant (also known as c.53T>A), located in coding exon 1 of the BRCA1 gene, results from a T to A substitution at nucleotide position 53. The methionine at codon 18 is replaced by lysine, an amino acid with similar properties. One functional study found that this nucleotide substitution is non-functional in a high throughput genome editing haploid cell survival assay (Findlay GM et al. Nature, 2018 Oct;562:217-222). Other variant(s) at the same codon, p.M18T (c.53T>C), demonstrate an abnormal result in a functional assay (Findlay GM et al. Nature, 2018 10;562:217-222). This amino acid position is highly conserved in available vertebrate species. In addition, this alteration is predicted to be deleterious by in silico analysis. This variant is considered to be rare based on population cohorts in the Genome Aggregation Database (gnomAD). Based on the majority of available evidence to date, this variant is likely to be pathogenic.

Quest Diagnostics Nichols Institute San Juan Capistrano
Classification: Pathogenic. Last evaluated: 2025-02-05. Review status: criteria provided, single submitter. Criteria: Quest Diagnostics criteria. Collection method: clinical testing. Allele origin: unknown.
Comment: The BRCA1 c.53T>A (p.Met18Lys) variant has been reported in the published literature in several individuals and families with breast and/or ovarian cancer (PMID: 10408690 (1999), 11748848 (2001), 15024741 (2004), 31409081 (2019), 32803532 (2020), 33471991 (2021), see also LOVD) and is described as Czech founder variant (PMID: 31409081 (2019)). Published functional studies showed that this variant is damaging to BRCA1 function (PMID: 16403807 (2006), 18493658 (2008), 25823446 (2015), 30209399 (2018)). This variant has not been reported in large, multi-ethnic general populations (Genome Aggregation Database). Analysis of this variant using bioinformatics tools for the prediction of the effect of amino acid changes on protein structure and function yielded conflicting predictions that this variant is deleterious or benign. Based on the available information, this variant is classified as pathogenic.

Labcorp Genetics (formerly Invitae), Labcorp
Classification: Likely pathogenic for Hereditary breast ovarian cancer syndrome. Last evaluated: 2024-04-25. Review status: criteria provided, single submitter. Criteria: Invitae Variant Classification Sherloc (09022015). Collection method: clinical testing. Allele origin: germline.
Comment: This sequence change replaces methionine, which is neutral and non-polar, with lysine, which is basic and polar, at codon 18 of the BRCA1 protein (p.Met18Lys). This variant is not present in population databases (gnomAD no frequency). This missense change has been observed in individual(s) with breast and ovarian cancer (PMID: 10408690, 11748848, 15024741, 32803532). ClinVar contains an entry for this variant (Variation ID: 55559). Advanced modeling performed at Invitae incorporating data from internal and/or published experimental studies (PMID: 30209399) indicates that this missense variant is expected to disrupt BRCA1 function with a positive predictive value of 95%. Experimental studies have shown that this missense change affects BRCA1 function (PMID: 16403807, 18493658, 25823446, 30209399). This variant disrupts the p.Met18 amino acid residue in BRCA1. Other variant(s) that disrupt this residue have been determined to be pathogenic (PMID: 21922593, 21990134, 23161852, 23867111). This suggests that this residue is clinically significant, and that variants that disrupt this residue are likely to be disease-causing. In summary, the currently available evidence indicates that the variant is pathogenic, but additional data are needed to prove that conclusively. Therefore, this variant has been classified as Likely Pathogenic.

Women's Health and Genetics/Laboratory Corporation of America, LabCorp
Classification: Pathogenic for Hereditary breast ovarian cancer syndrome. Last evaluated: 2023-05-08. Review status: criteria provided, single submitter. Criteria: LabCorp Variant Classification Summary - May 2015. Collection method: clinical testing. Allele origin: germline.
Comment: Variant summary: BRCA1 c.53T>A (p.Met18Lys) results in a non-conservative amino acid change in the encoded protein sequence. Five of five in-silico tools predict a damaging effect of the variant on protein function. The variant was absent in 251084 control chromosomes (gnomAD). c.53T>A has been reported in the literature in multiple individuals, many of Czech ancestry, affected with Hereditary Breast And Ovarian Cancer Syndrome (e.g. Southey_1999, Machackova_2001, Foretova_2004, Machackova_2019, Wan_2021). These data indicate that the variant is likely associated with disease. Co-occurrences with other pathogenic variants (BRCA2 c.9154C>T , p.Arg3052Trp; BRCA2 c.7007G>A, p.Arg2336His) have also been reported, providing supporting evidence for a benign role; however, in both of these cases there was a history of breast/ovarian cancer on both the paternal and maternal sides of the families (Machackova_2019). Multiple functional studies report experimental evidence evaluating an impact on protein function and found that the variant impairs ubiquitin ligase activity (e.g. Morris_2006, Starita_2015) and showed this variant to have non-functional homology directed repair (HDR) activity (Findlay_2018). HDR assays qualify as a recognized gold standard on the basis of updated guidance provided by the ClinGen Sequence Variant Interpretation (SVI) working group. Furthermore, a variant affecting the same amino acid (p.Met18Thr) has been classified as pathogenic, suggesting Met18 is important for BRCA1 function. The following publications have been ascertained in the context of this evaluation (PMID: 30209399, 15024741, 11748848, 31409081, 16403807, 10408690, 25823446, 32803532). Three submitters have provided clinical-significance assessments for this variant to ClinVar after 2014 and all classified the variant as likely pathogenic. Based on the evidence outlined above, the variant was classified as pathogenic.

Breast Center, Key Laboratory of Carcinogenesis and Translational Research
Classification: Likely pathogenic for Hereditary breast and ovarian cancer syndrome. Last evaluated: 2020-05-01. Review status: criteria provided, single submitter. Criteria: ACMG Guidelines, 2015. Collection method: clinical testing. Allele origin: germline. Affected: yes. Observed: 1 variant allele.

CHEO Genetics Diagnostic Laboratory, Children's Hospital of Eastern Ontario
Classification: Likely pathogenic for Breast and/or ovarian cancer. Last evaluated: 2019-07-16. Review status: criteria provided, single submitter. Criteria: ACMG Guidelines, 2015. Collection method: clinical testing. Allele origin: germline.

Research Molecular Genetics Laboratory, Women's College Hospital, University of Toronto
Classification: Uncertain significance. Last evaluated: 2014-01-31. Review status: no assertion criteria provided. Collection method: research. Allele origin: germline. Affected: yes. Study: The Canadian Open Genetics Repository (COGR). Not counted in ClinVar's aggregate classification.

Breast Cancer Information Core (BIC) (BRCA1)
Classification: Uncertain significance for Breast-ovarian cancer, familial 1. Last evaluated: 2005-09-27. Review status: no assertion criteria provided. Collection method: clinical testing. Allele origin: germline. Affected: yes. Observed: 3 variant alleles. Not counted in ClinVar's aggregate classification.

Brotman Baty Institute, University of Washington
No classification provided (evidence only). Condition: Breast-ovarian cancer, familial 1. Review status: no classification provided. Collection method: in vitro. Allele origin: not applicable. Functional consequence: functionally_abnormal. Not counted in ClinVar's aggregate classification.
ClinVar note: "not provided" was previously submitted as the classification for the variant. However, the classification appeared to be based only on an observation of functional data so it was converted to no classification on 2025-07-30.

Literature cited by the submitters: PubMed 30209399 (cited by 5 submitters); PubMed 33471991 (cited by Quest Diagnostics Nichols Institute San Juan Capistrano); PubMed 31409081 (cited by Quest Diagnostics Nichols Institute San Juan Capistrano and Women's Health and Genetics/Laboratory Corporation of America, LabCorp); PubMed 10408690 (cited by 3 submitters); PubMed 15024741 (cited by 3 submitters); PubMed 32803532 (cited by 3 submitters); PubMed 16403807 (cited by 3 submitters); PubMed 25823446 (cited by 3 submitters); PubMed 18493658 (cited by Quest Diagnostics Nichols Institute San Juan Capistrano and Labcorp Genetics (formerly Invitae), Labcorp); PubMed 11748848 (cited by 4 submitters); PubMed 21922593 (cited by Labcorp Genetics (formerly Invitae), Labcorp); PubMed 21990134 (cited by Labcorp Genetics (formerly Invitae), Labcorp); PubMed 23161852 (cited by Labcorp Genetics (formerly Invitae), Labcorp); PubMed 23867111 (cited by Labcorp Genetics (formerly Invitae), Labcorp).

NM_007294.4(BRCA1):c.53T>A (p.Met18Lys)

Gene: BRCA1 (BRCA1 DNA repair associated; minus strand). Cytogenetic location: 17q21.31.
Variant type: single nucleotide variant.
Coding change: c.53T>A on transcript NM_007294.4 (MANE Select); coding-DNA position 53, T replaced by A.
Protein change: p.Met18Lys; replaces methionine 18 with lysine.
Molecular consequence: missense variant. On other transcripts: 5 prime UTR variant (1), non-coding transcript variant (1).
Genome position (GRCh38, 1-based): chr17:43,124,044, A>T on the plus strand (T>A on the coding strand, the complement: BRCA1 is on the minus strand). VCF-style: chr17-43124044-A-T. GRCh37 (hg19) VCF-style: chr17-41276061-A-T.
Other names: c.-367T>A (NM_001407965.1); c.53T>A, p.Met18Lys (NM_001407968.1, NM_001407969.1, NM_001407970.1 and 193 more transcripts); c.-136T>A (NM_001407571.1, NM_001407853.1, NM_001407879.1 and 46 more transcripts); c.-205T>A (NM_001407694.1, NM_001407724.1, NM_001407727.1 and 11 more transcripts); c.-209T>A (NM_001407695.1, NM_001408465.1); c.-350T>A (NM_001407696.1); c.-234T>A (NM_001407697.1, NM_001407846.1, NM_001407920.1); c.-35T>A (NM_001407698.1, NM_001407732.1, NM_001407736.1 and 23 more transcripts); and 8 more; short protein forms M18K.
Identifiers: ClinVar variation 55559 (VCV000055559.17), dbSNP rs80356929, ClinGen allele CA003549.